The following is an entry in ClinVar:

ClinVar aggregate classification (germline): Uncertain significance (1 of 4 stars; one submission).

Conditions:
Infantile myofibromatosis (IMF). Also called: Congenital generalized fibromatosis. Identifiers: Orphanet 2591, MedGen C0432284, MONDO:0016824.
Skeletal overgrowth-craniofacial dysmorphism-hyperelastic skin-white matter lesions syndrome. Also called: SKELETAL OVERGROWTH WITH FACIAL DYSMORPHISM, HYPERELASTIC SKIN, WHITE MATTER LESIONS, AND NEUROLOGIC DETERIORATION; Kosaki overgrowth syndrome. Identifiers: Orphanet 477831, MedGen C4225270, MONDO:0014704, OMIM 616592.
Acroosteolysis-keloid-like lesions-premature aging syndrome. Also called: Premature aging syndrome, Penttinen type; Prematurely aged appearance, delayed bone maturation, acro-osteolysis, and brachydactyly; Progeroid syndrome, Penttinen type. Identifiers: Orphanet 363665, MedGen C1866182, MONDO:0011150, OMIM 601812.
Basal ganglia calcification, idiopathic, 4 (PFBC4). Also called: Familial Idiopathic Basal Ganglia Calcification 4; PRIMARY FAMILIAL BRAIN CALCIFICATION 4, AUTOSOMAL DOMINANT. Identifiers: Orphanet 1980, MedGen C3554321, MONDO:0014004, OMIM 615007.

Allele frequency attached by ClinVar (database versions not stated): TOPMed 0.00001; ExAC 0.00003; gnomAD 0.00001; ESP Exome Variant Server 0.00008.
gnomAD v4.1: 23 of 1,613,052 alleles (0.0014%); highest among the groups gnomAD compares: South Asian, 0.0055%; no homozygotes.

Submission:

Labcorp Genetics (formerly Invitae), Labcorp
Classification: Uncertain significance for Basal ganglia calcification, idiopathic, 4; Skeletal overgrowth-craniofacial dysmorphism-hyperelastic skin-white matter lesions syndrome; Infantile myofibromatosis; Acroosteolysis-keloid-like lesions-premature aging syndrome. Last evaluated: 2023-01-10. Review status: criteria provided, single submitter. Criteria: Invitae Variant Classification Sherloc (09022015). Collection method: clinical testing. Allele origin: germline.
Comment: In summary, the available evidence is currently insufficient to determine the role of this variant in disease. Therefore, it has been classified as a Variant of Uncertain Significance. Advanced modeling of protein sequence and biophysical properties (such as structural, functional, and spatial information, amino acid conservation, physicochemical variation, residue mobility, and thermodynamic stability) performed at Invitae indicates that this missense variant is not expected to disrupt PDGFRB protein function. This variant has not been reported in the literature in individuals affected with PDGFRB-related conditions. This variant is present in population databases (rs368602685, gnomAD 0.007%). This sequence change replaces alanine, which is neutral and non-polar, with threonine, which is neutral and polar, at codon 366 of the PDGFRB protein (p.Ala366Thr).

NM_002609.4(PDGFRB):c.1096G>A (p.Ala366Thr)

Gene: PDGFRB (platelet derived growth factor receptor beta; minus strand). Cytogenetic location: 5q32.
Variant type: single nucleotide variant.
Coding change: c.1096G>A on transcript NM_002609.4 (MANE Select); coding-DNA position 1096, G replaced by A.
Protein change: p.Ala366Thr; replaces alanine 366 with threonine.
Molecular consequence: missense variant.
Genome position (GRCh38, 1-based): chr5:150,132,781, C>T on the plus strand (G>A on the coding strand, the complement: PDGFRB is on the minus strand). VCF-style: chr5-150132781-C-T. GRCh37 (hg19) VCF-style: chr5-149512344-C-T.
Other names: c.904G>A, p.Ala302Thr (NM_001355016.2); c.613G>A, p.Ala205Thr (NM_001355017.2); short protein forms A302T, A205T, A366T.
Identifiers: ClinVar variation 2926309 (VCV002926309.3), dbSNP rs368602685, ClinGen allele CA3508107.